The following is an entry in ClinVar:

ClinVar aggregate classification (germline): Uncertain significance (1 of 4 stars; one submission).

Allele frequency attached by ClinVar (database versions not stated): gnomAD exomes below 0.00001; ExAC 0.00002.
gnomAD v4.1: 2 of 1,614,084 alleles (0.00012%); highest among the groups gnomAD compares: Admixed American, 0.0017%; no homozygotes.

Submission:

Labcorp Genetics (formerly Invitae), Labcorp
Classification: Uncertain significance. Last evaluated: 2024-01-15. Review status: criteria provided, single submitter. Criteria: Invitae Variant Classification Sherloc (09022015). Collection method: clinical testing. Allele origin: germline.
Comment: This sequence change creates a premature translational stop signal (p.Gln51*) in the COX14 gene. While this is not anticipated to result in nonsense mediated decay, it is expected to disrupt the last 7 amino acid(s) of the COX14 protein. This variant is present in population databases (rs780347602, gnomAD 0.006%). This variant has not been reported in the literature in individuals affected with COX14-related conditions. ClinVar contains an entry for this variant (Variation ID: 1952748). In summary, the available evidence is currently insufficient to determine the role of this variant in disease. Therefore, it has been classified as a Variant of Uncertain Significance.

NM_032901.4(COX14):c.151C>T (p.Gln51Ter)

Gene: COX14 (cytochrome c oxidase assembly factor COX14; plus strand). Cytogenetic location: 12q13.12.
Variant type: single nucleotide variant.
Coding change: c.151C>T on transcript NM_032901.4 (MANE Select); coding-DNA position 151, C replaced by T.
Protein change: p.Gln51Ter; replaces glutamine 51 with a stop codon.
Molecular consequence: nonsense.
Genome position (GRCh38, 1-based): chr12:50,120,194, C>T. VCF-style: chr12-50120194-C-T. GRCh37 (hg19) VCF-style: chr12-50513977-C-T.
Other names: c.151C>T, p.Gln51Ter (NM_001257133.2, NM_001257134.2); short protein forms Q51*.
Identifiers: ClinVar variation 1952748 (VCV001952748.5), dbSNP rs780347602, ClinGen allele CA6561893.